The following is an entry in ClinVar:

ClinVar aggregate classification (germline): Uncertain significance (1 of 4 stars; one submission).

Submission:

Labcorp Genetics (formerly Invitae), Labcorp
Classification: Uncertain significance. Last evaluated: 2025-12-24. Review status: criteria provided, single submitter. Criteria: Invitae Variant Classification Sherloc (09022015). Collection method: clinical testing. Allele origin: germline.
Comment: This sequence change replaces glutamine, which is neutral and polar, with proline, which is neutral and non-polar, at codon 347 of the EFL1 protein (p.Gln347Pro). This variant is not present in population databases (gnomAD no frequency). This variant has not been reported in the literature in individuals affected with EFL1-related conditions. Invitae Evidence Modeling of protein sequence and biophysical properties (such as structural, functional, and spatial information, amino acid conservation, physicochemical variation, residue mobility, and thermodynamic stability) indicates that this missense variant is expected to disrupt EFL1 protein function with a positive predictive value of 80%. In summary, the available evidence is currently insufficient to determine the role of this variant in disease. Therefore, it has been classified as a Variant of Uncertain Significance.

NM_024580.6(EFL1):c.1040A>C (p.Gln347Pro)

Gene: EFL1 (elongation factor like GTPase 1; minus strand). Cytogenetic location: 15q25.2.
Variant type: single nucleotide variant.
Coding change: c.1040A>C on transcript NM_024580.6 (MANE Select); coding-DNA position 1040, A replaced by C.
Protein change: p.Gln347Pro; replaces glutamine 347 with proline.
Molecular consequence: missense variant. On other transcripts: non-coding transcript variant (1).
Genome position (GRCh38, 1-based): chr15:82,228,220, T>G on the plus strand (A>C on the coding strand, the complement: EFL1 is on the minus strand). VCF-style: chr15-82228220-T-G. GRCh37 (hg19) VCF-style: chr15-82520561-T-G.
Other names: c.887A>C, p.Gln296Pro (NM_001040610.3); c.251A>C, p.Gln84Pro (NM_001322844.2); c.1040A>C, p.Gln347Pro (NM_001322845.2); short protein forms Q347P, Q296P, Q84P.
Identifiers: ClinVar variation 4771455 (VCV004771455.1).